The following is an entry in ClinVar:

ClinVar aggregate classification (germline): Benign/Likely benign. Review status: criteria provided, multiple submitters, no conflicts (2 of 4 stars). 5 submissions from 4 submitters: Benign (3); Likely benign (2). Last evaluated 2026-01-24.

Conditions:
Adams-Oliver syndrome 5 (AOS5). Identifiers: Orphanet 974, MedGen C4014970, MONDO:0014459, OMIM 616028.
Aortic valve disease 1 (AOVD1). Identifiers: MedGen C3887892, MONDO:0024523, OMIM 109730.

Allele frequency attached by ClinVar (database versions not stated): gnomAD exomes 0.00011 and 0.00029; ExAC 0.00043; 1000 Genomes Project 0.00080; 1000 Genomes Project 30x 0.00094; TOPMed 0.00115; ESP Exome Variant Server 0.00117; gnomAD 0.00121 and 0.00133.
gnomAD v4.1: 352 of 1,612,510 alleles (0.022%); highest among the groups gnomAD compares: African/African-American, 0.39%; no homozygotes.

Submissions (5):

Labcorp Genetics (formerly Invitae), Labcorp
Classification: Benign for Adams-Oliver syndrome 5. Last evaluated: 2026-01-24. Review status: criteria provided, single submitter. Criteria: Invitae Variant Classification Sherloc (09022015). Collection method: clinical testing. Allele origin: germline.

Blueprint Genetics
Classification: Likely benign. Last evaluated: 2024-10-02. Review status: criteria provided, single submitter. Criteria: ACMG Guidelines, 2015. Collection method: clinical testing. Allele origin: germline.

Genome-Nilou Lab
Classification: Benign for Adams-Oliver syndrome 5. Last evaluated: 2022-03-15. Review status: criteria provided, single submitter. Criteria: ACMG Guidelines, 2015. Collection method: clinical testing. Allele origin: germline. Affected: no.

Genome-Nilou Lab
Classification: Benign for Aortic valve disease 1. Last evaluated: 2022-03-15. Review status: criteria provided, single submitter. Criteria: ACMG Guidelines, 2015. Collection method: clinical testing. Allele origin: germline. Affected: no.

GeneDx
Classification: Likely benign. Last evaluated: 2018-03-09. Review status: criteria provided, single submitter. Criteria: GeneDx Variant Classification (06012015). Collection method: clinical testing. Allele origin: germline. Affected: yes.
Comment: This variant is considered likely benign or benign based on one or more of the following criteria: it is a conservative change, it occurs at a poorly conserved position in the protein, it is predicted to be benign by multiple in silico algorithms, and/or has population frequency not consistent with disease.

NM_017617.5(NOTCH1):c.865+18C>T

Gene: NOTCH1 (notch receptor 1; minus strand). Cytogenetic location: 9q34.3.
Variant type: single nucleotide variant.
Coding change: c.865+18C>T on transcript NM_017617.5 (MANE Select); 18 bases into the intron after coding-DNA position 865, C replaced by T.
Molecular consequence: intron variant.
Genome position (GRCh38, 1-based): chr9:136,519,425, G>A on the plus strand (C>T on the coding strand, the complement: NOTCH1 is on the minus strand). VCF-style: chr9-136519425-G-A. GRCh37 (hg19) VCF-style: chr9-139413877-G-A.
Other names: c.865+18C>T (LRG_1122t1).
Identifiers: ClinVar variation 515936 (VCV000515936.11), dbSNP rs55677618, ClinGen allele CA5342017.
Genomic context (GRCh38, chr9:136,519,425, plus strand): 5'-ATGCCTGTGAGTGCAGTTTAGTAAGTGGGTAGCAGCCCCGCCCCGGCTACCCCGCCCTGC[G>A]GCGACCCGTATACGCGCCTGTCCACTCTGGCGGGCAGCGGCAGTTGTAGGTGTTCACGCC-3'